The following is an entry in ClinVar:

NM_198578.4(LRRK2):c.3271T>G (p.Ser1091Ala)

Gene: LRRK2 (leucine rich repeat kinase 2; plus strand). Cytogenetic location: 12q12.
Variant type: single nucleotide variant.
Coding change: c.3271T>G on transcript NM_198578.4 (MANE Select); coding-DNA position 3271, T replaced by G.
Protein change: p.Ser1091Ala; replaces serine 1091 with alanine.
Molecular consequence: missense variant.
Genome position (GRCh38, 1-based): chr12:40,298,417, T>G. VCF-style: chr12-40298417-T-G. GRCh37 (hg19) VCF-style: chr12-40692219-T-G.
Other names: short protein forms S1091A.
Identifiers: ClinVar variation 1729632 (VCV001729632.2), dbSNP rs2499746563, ClinGen allele CA384414932.
Genomic context (GRCh38, chr12:40,298,417, plus strand): 5'-GGACCCTCAGTGGTTTTAGATCCTACAGTGAAATGTCCAACTCTGAAACAGTTTAACCTG[T>G]CATATAACCAGCTGTCTTTTGTACCTGAGAACCTCACTGATGTGGTAGAGAAACTGGAGC-3'
Protein context (NP_940980.4, residues 1081-1101): KCPTLKQFNL[Ser1091Ala]YNQLSFVPEN

ClinVar aggregate classification (germline): Uncertain significance (1 of 4 stars; one submission).

Conditions:
Inborn genetic diseases. Identifiers: MedGen C0950123, MeSH D030342.

Submission:

Ambry Genetics
Classification: Uncertain significance for Inborn genetic diseases. Last evaluated: 2022-01-18. Review status: criteria provided, single submitter. Criteria: Ambry Variant Classification Scheme 2023. Collection method: clinical testing. Allele origin: germline.
Comment: The p.S1091A variant (also known as c.3271T>G), located in coding exon 24 of the LRRK2 gene, results from a T to G substitution at nucleotide position 3271. The serine at codon 1091 is replaced by alanine, an amino acid with similar properties. This amino acid position is conserved. In addition, the in silico prediction for this alteration is inconclusive. Since supporting evidence is limited at this time, the clinical significance of this alteration remains unclear.